The following is an entry in ClinVar:

ClinVar aggregate classification (germline): Uncertain significance (1 of 4 stars; one submission).

Conditions:
Inborn genetic diseases. Identifiers: MedGen C0950123, MeSH D030342.

Submission:

Ambry Genetics
Classification: Uncertain significance for Inborn genetic diseases. Last evaluated: 2024-08-28. Review status: criteria provided, single submitter. Criteria: Ambry Variant Classification Scheme 2023. Collection method: clinical testing. Allele origin: germline.
Comment: The p.R180Q variant (also known as c.539G>A), located in coding exon 3 of the ACD gene, results from a G to A substitution at nucleotide position 539. The arginine at codon 180 is replaced by glutamine, an amino acid with highly similar properties. This amino acid position is conserved. In addition, this alteration is predicted to be tolerated by in silico analysis. Since supporting evidence is limited at this time, the clinical significance of this alteration remains unclear.

NM_001082486.2(ACD):c.281G>A (p.Arg94Gln)

Gene: ACD (ACD shelterin complex subunit and telomerase recruitment factor; minus strand). Cytogenetic location: 16q22.1.
Variant type: single nucleotide variant.
Coding change: c.281G>A on transcript NM_001082486.2 (MANE Select); coding-DNA position 281, G replaced by A.
Protein change: p.Arg94Gln; replaces arginine 94 with glutamine.
Molecular consequence: missense variant.
Genome position (GRCh38, 1-based): chr16:67,659,757, C>T on the plus strand (G>A on the coding strand, the complement: ACD is on the minus strand). VCF-style: chr16-67659757-C-T. GRCh37 (hg19) VCF-style: chr16-67693660-C-T.
Other names: c.281G>A, p.Arg94Gln (NM_001410884.1); c.272G>A, p.Arg91Gln (NM_022914.3); short protein forms R94Q, R91Q.
Identifiers: ClinVar variation 1747274 (VCV001747274.3), dbSNP rs2543609146, ClinGen allele CA396356011.